The following is an entry in ClinVar:

NM_006904.7(PRKDC):c.6046A>G (p.Asn2016Asp)

Gene: PRKDC (protein kinase, DNA-activated, catalytic subunit; minus strand). Cytogenetic location: 8q11.21.
Variant type: single nucleotide variant.
Coding change: c.6046A>G on transcript NM_006904.7 (MANE Select); coding-DNA position 6046, A replaced by G.
Protein change: p.Asn2016Asp; replaces asparagine 2016 with aspartic acid.
Molecular consequence: missense variant.
Genome position (GRCh38, 1-based): chr8:47,860,911, T>C on the plus strand (A>G on the coding strand, the complement: PRKDC is on the minus strand). VCF-style: chr8-47860911-T-C. GRCh37 (hg19) VCF-style: chr8-48773472-T-C.
Other names: c.6046A>G, p.Asn2016Asp (NM_001081640.2); short protein forms N2016D.
Identifiers: ClinVar variation 1751251 (VCV001751251.2), dbSNP rs2551870420, ClinGen allele CA371161479.

ClinVar aggregate classification (germline): Uncertain significance (1 of 4 stars; one submission).

Submission:

Ambry Genetics
Classification: Uncertain significance. Last evaluated: 2022-09-28. Review status: criteria provided, single submitter. Criteria: Ambry Variant Classification Scheme 2023. Collection method: clinical testing. Allele origin: germline.
Comment: The p.N2016D variant (also known as c.6046A>G), located in coding exon 45 of the PRKDC gene, results from an A to G substitution at nucleotide position 6046. The asparagine at codon 2016 is replaced by aspartic acid, an amino acid with highly similar properties. This amino acid position is conserved. In addition, this alteration is predicted to be tolerated by in silico analysis. Since supporting evidence is limited at this time, the clinical significance of this alteration remains unclear.